The following is an entry in ClinVar:

NM_000268.4(NF2):c.1240G>A (p.Ala414Thr)

Gene: NF2 (NF2, moesin-ezrin-radixin like (MERLIN) tumor suppressor; plus strand). Cytogenetic location: 22q12.2.
Variant type: single nucleotide variant.
Coding change: c.1240G>A on transcript NM_000268.4 (MANE Select); coding-DNA position 1240, G replaced by A.
Protein change: p.Ala414Thr; replaces alanine 414 with threonine.
Molecular consequence: missense variant. On other transcripts: non-coding transcript variant (1), intron variant (1).
Genome position (GRCh38, 1-based): chr22:29,673,386, G>A. VCF-style: chr22-29673386-G-A. GRCh37 (hg19) VCF-style: chr22-30069375-G-A.
Other names: c.1240G>A (NM_000268.3); c.1240G>A, p.Ala414Thr (NM_016418.5, NM_181825.3, NM_181832.3); c.1114G>A, p.Ala372Thr (NM_181828.3); c.1117G>A, p.Ala373Thr (NM_181829.3); c.991G>A, p.Ala331Thr (NM_181830.3, NM_181831.3); c.448-21366G>A (NM_181833.3); short protein forms A331T, A372T, A373T, A414T.
Identifiers: ClinVar variation 1483154 (VCV001483154.10), dbSNP rs2147083098, ClinGen allele CA411148288.

ClinVar aggregate classification (germline): Uncertain significance. Review status: criteria provided, multiple submitters, no conflicts (2 of 4 stars). 2 submissions from 2 submitters: Uncertain significance (2). Last evaluated 2026-07-07.

Conditions:
Hereditary cancer-predisposing syndrome. Also called: Hereditary Cancer Syndrome; Tumor predisposition; Neoplastic Syndromes, Hereditary; Hereditary neoplastic syndrome. Identifiers: Orphanet 140162, MedGen C0027672, MeSH D009386, MONDO:0015356.
Neurofibromatosis, type 2 (SWNV). Also called: SCHWANNOMATOSIS, VESTIBULAR; BILATERAL ACOUSTIC NEUROFIBROMATOSIS; NF2-Related Schwannomatosis. Identifiers: Orphanet 637, MedGen C0027832, MONDO:0007039, OMIM 101000. Disease mechanism: loss of function.

Submissions (2):

Ambry Genetics
Classification: Uncertain significance for Hereditary cancer-predisposing syndrome. Last evaluated: 2026-07-07. Review status: criteria provided, single submitter. Criteria: Ambry Variant Classification Scheme 2023. Collection method: clinical testing. Allele origin: germline.
Comment: The p.A414T variant (also known as c.1240G>A), located in coding exon 12 of the NF2 gene, results from a G to A substitution at nucleotide position 1240. The alanine at codon 414 is replaced by threonine, an amino acid with similar properties. This amino acid position is conserved. In addition, this alteration is predicted to be tolerated by in silico analysis. Based on the available evidence, the clinical significance of this variant remains unclear.

Labcorp Genetics (formerly Invitae), Labcorp
Classification: Uncertain significance for Neurofibromatosis, type 2. Last evaluated: 2021-05-25. Review status: criteria provided, single submitter. Criteria: Invitae Variant Classification Sherloc (09022015). Collection method: clinical testing. Allele origin: germline.
Comment: This variant is not present in population databases (ExAC no frequency). In summary, the available evidence is currently insufficient to determine the role of this variant in disease. Therefore, it has been classified as a Variant of Uncertain Significance. Algorithms developed to predict the effect of missense changes on protein structure and function (SIFT, PolyPhen-2, Align-GVGD) all suggest that this variant is likely to be tolerated, but these predictions have not been confirmed by published functional studies and their clinical significance is uncertain. This variant has not been reported in the literature in individuals with NF2-related conditions. This sequence change replaces alanine with threonine at codon 414 of the NF2 protein (p.Ala414Thr). The alanine residue is moderately conserved and there is a small physicochemical difference between alanine and threonine.